The following is an entry in ClinVar:

ClinVar aggregate classification (germline): Uncertain significance (0 of 4 stars; one submission).

Conditions:
Breast ductal adenocarcinoma. Also called: Ductal breast carcinoma; Breast cancer, invasive ductal. Identifiers: MedGen C1527349, MONDO:0005590.

Submission:

Next Generation Diagnostics, Novartis Institutes for BioMedical Research, Inc.
Classification: Uncertain significance for Breast ductal adenocarcinoma. Last evaluated: 2015-07-20. Review status: no assertion criteria provided. Collection method: research. Allele origin: somatic. Affected: yes.
Comment: Loss of heterozygosity

Single allele

Genes: BTNL2 (butyrophilin like 2), HLA-DQA1 (major histocompatibility complex, class II, DQ alpha 1; plus strand), HLA-DQB1 (major histocompatibility complex, class II, DQ beta 1; minus strand), HLA-DRA (major histocompatibility complex, class II, DR alpha), HLA-DRB1 (major histocompatibility complex, class II, DR beta 1; minus strand) and 3 more. Cytogenetic location: 6p21.32.
Variant type: Complex.
Identifiers: ClinVar variation 221340 (VCV000221340.2).